The following is an entry in ClinVar:

ClinVar aggregate classification (germline): Uncertain significance. Review status: criteria provided, multiple submitters, no conflicts (2 of 4 stars). 3 submissions from 3 submitters: Uncertain significance (3). Last evaluated 2026-08-06.

Conditions:
Mucopolysaccharidosis, MPS-IV-B (MPS4B). Also called: MORQUIO SYNDROME B; Mucopolysaccharidosis type IV B; Mucopolysaccharidosis Type IVB; Mucopolysaccharidosis Type IVB (Morquio B Disease); Mucopolysaccharidosis type 4B; Mucopolysaccharidosis type IVB (Morquio). Identifiers: Orphanet 309310, Orphanet 582, MedGen C0086652, MONDO:0009660, OMIM 253010.
GM1 gangliosidosis. Identifiers: Orphanet 354, MedGen C0085131, MONDO:0018149.
Inborn genetic diseases. Identifiers: MedGen C0950123, MeSH D030342.

Allele frequency attached by ClinVar (database versions not stated): TOPMed 0.00005; gnomAD exomes 0.00006 and 0.00001; gnomAD 0.00003 and 0.00004; ESP Exome Variant Server 0.00008; ExAC 0.00006.
gnomAD v4.1: 27 of 1,614,030 alleles (0.0017%); highest among the groups gnomAD compares: Middle Eastern, 0.016%; no homozygotes.

Submissions (3):

OLLIN Analises Genomicas, OLLIN
Classification: Uncertain significance for Mucopolysaccharidosis, MPS-IV-B. Last evaluated: 2026-08-06. Review status: criteria provided, single submitter. Criteria: ACMG Guidelines 2015 PMID 25741868. Collection method: clinical testing. Allele origin: germline. Inheritance: Autosomal recessive inheritance.
Comment: This missense variant, located in exon 16 (of 16), has been reported in ClinVar (accession VCV001512979.4) and in gnomAD with an allele frequency of 0.0017%. However, to our knowledge, it has not been reported in the scientific literature. In silico analysis is inconclusive regarding the impact of this variant. According to the currently available evidence, this variant has been classified as uncertain significance (PM2_P).

Ambry Genetics
Classification: Uncertain significance for Inborn genetic diseases. Last evaluated: 2025-06-03. Review status: criteria provided, single submitter. Criteria: Ambry Variant Classification Scheme 2023. Collection method: clinical testing. Allele origin: germline.

Labcorp Genetics (formerly Invitae), Labcorp
Classification: Uncertain significance for Mucopolysaccharidosis, MPS-IV-B; GM1 gangliosidosis. Last evaluated: 2022-07-03. Review status: criteria provided, single submitter. Criteria: Invitae Variant Classification Sherloc (09022015). Collection method: clinical testing. Allele origin: germline.
Comment: This sequence change replaces threonine, which is neutral and polar, with methionine, which is neutral and non-polar, at codon 637 of the GLB1 protein (p.Thr637Met). This variant is present in population databases (rs369133124, gnomAD 0.02%). This variant has not been reported in the literature in individuals affected with GLB1-related conditions. ClinVar contains an entry for this variant (Variation ID: 1512979). Advanced modeling of protein sequence and biophysical properties (such as structural, functional, and spatial information, amino acid conservation, physicochemical variation, residue mobility, and thermodynamic stability) performed at Invitae indicates that this missense variant is not expected to disrupt GLB1 protein function. In summary, the available evidence is currently insufficient to determine the role of this variant in disease. Therefore, it has been classified as a Variant of Uncertain Significance.

NM_000404.4(GLB1):c.1910C>T (p.Thr637Met)

Gene: GLB1 (galactosidase beta 1; minus strand). Cytogenetic location: 3p22.3.
Variant type: single nucleotide variant.
Coding change: c.1910C>T on transcript NM_000404.4 (MANE Select); coding-DNA position 1910, C replaced by T.
Protein change: p.Thr637Met; replaces threonine 637 with methionine.
Molecular consequence: missense variant. On other transcripts: intron variant (1).
Genome position (GRCh38, 1-based): chr3:32,997,169, G>A on the plus strand (C>T on the coding strand, the complement: GLB1 is on the minus strand). VCF-style: chr3-32997169-G-A. GRCh37 (hg19) VCF-style: chr3-33038661-G-A.
Other names: c.1820C>T, p.Thr607Met (NM_001079811.3); c.1517C>T, p.Thr506Met (NM_001135602.3); c.2054C>T, p.Thr685Met (NM_001317040.2); c.1734+16887C>T (NM_001393580.1); c.1910C>T (NM_000404.2); short protein forms T637M, T506M, T685M, T607M.
Identifiers: ClinVar variation 1512979 (VCV001512979.5), dbSNP rs369133124, ClinGen allele CA2299274.
Genomic context (GRCh38, chr3:32,997,169, plus strand): 5'-ACAGGTTTGGAGGGATGATCGTAGGTCACAGATGAGCCAATAACTGGCCTGTCCACGAAC[G>A]TCACAGCACATAGTTCTGGATCATCACTGCTGCAGGGTGCCCACTCCAGTTCCAGCACGG-3'
Protein context (NP_000395.3, residues 627-647): SSDDPELCAV[Thr637Met]FVDRPVIGSS